The following is an entry in ClinVar:

ClinVar aggregate classification (germline): Pathogenic. Review status: criteria provided, multiple submitters, no conflicts (2 of 4 stars). 12 submissions from 12 submitters: Pathogenic (9). 3 of the submissions do not count toward it. Last evaluated 2026-06-08.

Conditions:
Inborn genetic diseases. Identifiers: MedGen C0950123, MeSH D030342.
Epilepsy. Also called: Seizure disorder. Identifiers: MedGen C0014544, MeSH D004827, MONDO:0005027.
Troyer syndrome (SPG20). Identifiers: Orphanet 101000, MedGen C0393559, MONDO:0010156, OMIM 275900.
Neurodevelopmental delay. Identifiers: MedGen C4022738, HP:0012758.

Allele frequency attached by ClinVar (database versions not stated): gnomAD exomes 0.00004 and 0.00007; ExAC 0.00005; TOPMed 0.00008; gnomAD 0.00009.

Submissions (12):

Cytogénomique, Hospices Civils de Lyon
Classification: Pathogenic for Epilepsy. Last evaluated: 2026-06-08. Review status: criteria provided, single submitter. Criteria: ACMG Guidelines, 2015. Collection method: clinical testing. Allele origin: germline. Affected: yes.

Genomic Medicine Center of Excellence, King Faisal Specialist Hospital and Research Centre
Classification: Pathogenic. Last evaluated: 2024-12-18. Review status: criteria provided, single submitter. Criteria: ACMG Guidelines, 2015. Collection method: clinical testing. Allele origin: germline.

Labcorp Genetics (formerly Invitae), Labcorp
Classification: Pathogenic. Last evaluated: 2024-11-30. Review status: criteria provided, single submitter. Criteria: Invitae Variant Classification Sherloc (09022015). Collection method: clinical testing. Allele origin: germline.
Comment: This sequence change creates a premature translational stop signal (p.Met122Valfs*2) in the SPART gene. It is expected to result in an absent or disrupted protein product. Loss-of-function variants in SPART are known to be pathogenic (PMID: 18413476, 20437587, 20504295). This variant is present in population databases (rs775736341, gnomAD 0.02%). This premature translational stop signal has been observed in individuals with Troyer syndrome (PMID: 20437587, 26003402, 27112432). It has also been observed to segregate with disease in related individuals. ClinVar contains an entry for this variant (Variation ID: 3458). For these reasons, this variant has been classified as Pathogenic.

GeneDx
Classification: Pathogenic. Last evaluated: 2023-12-14. Review status: criteria provided, single submitter. Criteria: GeneDx Variant Classification Process June 2021. Collection method: clinical testing. Allele origin: germline. Affected: yes.
Comment: Frameshift variant predicted to result in protein truncation or nonsense mediated decay in a gene for which loss-of-function is a known mechanism of disease; This variant is associated with the following publications: (PMID: 27112432, 28679690, 28875386, 20437587, 28097321, 26003402, 34396080, 27535533)

Revvity Omics, Revvity
Classification: Pathogenic for Troyer syndrome. Last evaluated: 2021-07-30. Review status: criteria provided, single submitter. Criteria: ACMG Guidelines, 2015. Collection method: clinical testing. Allele origin: germline.

Institute of Human Genetics, University of Leipzig Medical Center
Classification: Pathogenic for Troyer syndrome. Last evaluated: 2020-03-01. Review status: criteria provided, single submitter. Criteria: ACMG Guidelines, 2015. Collection method: clinical testing. Allele origin: biparental. Inheritance: Autosomal recessive inheritance. Affected: yes.
Comment: Review of the variants reported in Reuter et al., 2017, PMID: 28097321: PVS1,PM2,PM3,PP1_Strong

CeGaT Center for Human Genetics Tuebingen
Classification: Pathogenic. Last evaluated: 2017-10-01. Review status: criteria provided, single submitter. Criteria: CeGaT Center For Human Genetics Tuebingen Variant Classification Criteria Version 2. Collection method: clinical testing. Allele origin: germline. Affected: yes. Observed: 2 variant alleles.

Ambry Genetics
Classification: Pathogenic for Inborn genetic diseases. Last evaluated: 2015-07-10. Review status: criteria provided, single submitter. Criteria: Ambry exome assertion method (8-5-2015). Collection method: clinical testing. Allele origin: germline. Affected: yes. Observed: 2 variant alleles.

Centre de Biologie Pathologie Génétique, Centre Hospitalier Universitaire de Lille
Classification: Pathogenic for Neurodevelopmental delay. Review status: criteria provided, single submitter. Criteria: ACMG Guidelines, 2015. Collection method: clinical testing. Allele origin: inherited. Affected: yes.

Department of Genetics, Sultan Qaboos University Hospital
Classification: Pathogenic for Troyer syndrome. Last evaluated: 2017-12-30. Review status: no assertion criteria provided. Collection method: curation. Allele origin: unknown. Affected: yes. Not counted in ClinVar's aggregate classification.

OMIM
Classification: Pathogenic for SPASTIC PARAPLEGIA 20, AUTOSOMAL RECESSIVE. Last evaluated: 2010-04-01. Review status: no assertion criteria provided. Collection method: literature only. Allele origin: germline. Not counted in ClinVar's aggregate classification.

New York Genome Center
Classification: Uncertain significance for Troyer syndrome. Last evaluated: 2021-01-13. Review status: flagged submission. Criteria: NYGC Assertion Criteria 2020. Collection method: clinical testing. Allele origin: germline. Observed: 1 heterozygote. Study: CSER-NYCKidSeq. Not counted in ClinVar's aggregate classification.
ClinVar note: Reason: Outlier claim with insufficient supporting evidence

Literature cited by the submitters: PubMed 18413476 (cited by Labcorp Genetics (formerly Invitae), Labcorp); PubMed 20437587 (cited by 3 submitters); PubMed 20504295 (cited by Labcorp Genetics (formerly Invitae), Labcorp); PubMed 26003402 (cited by Labcorp Genetics (formerly Invitae), Labcorp and OMIM); PubMed 27112432 (cited by Labcorp Genetics (formerly Invitae), Labcorp and OMIM).

NM_015087.5(SPART):c.364_365del (p.Met122fs)

Gene: SPART (spartin; minus strand). Cytogenetic location: 13q13.3.
Variant type: Deletion.
Coding change: c.364_365del on transcript NM_015087.5 (MANE Select); coding-DNA positions 364 to 365, 2 bases deleted (AT; older notation c.364_365delAT).
Protein change: p.Met122fs; shifts the reading frame from methionine 122.
Molecular consequence: frameshift variant.
Genome position (GRCh38, 1-based): chr13:36,335,466-36,335,467, AT deleted on the plus strand (AT on the coding strand, the reverse complement: SPART is on the minus strand). VCF-style (leftmost placement, unchanged base first): chr13-36335465-CAT-C. GRCh37 (hg19) VCF-style: chr13-36909602-CAT-C.
Other names: SPART, 2-BP DEL, 364AT; c.[364_365del (NM_015087.5); c.364_365delAT (NM_015087.4); c.364_365del, p.Met122fs (NM_001142294.2, NM_001142295.2, NM_001142296.2); short protein forms M122fs.
Identifiers: ClinVar variation 3458 (VCV000003458.64), dbSNP rs775736341, ClinGen allele CA6949650.